The following is an entry in ClinVar:

ClinVar aggregate classification (germline): Likely pathogenic (1 of 4 stars; one submission).

Conditions:
Amyotrophic lateral sclerosis type 1 (ALS1). Also called: AMYOTROPHIC LATERAL SCLEROSIS 1, FAMILIAL. Identifiers: Orphanet 803, MedGen C1862939, MONDO:0007103, OMIM 105400.

Submission:

Labcorp Genetics (formerly Invitae), Labcorp
Classification: Likely pathogenic for Amyotrophic lateral sclerosis type 1. Last evaluated: 2025-08-21. Review status: criteria provided, single submitter. Criteria: Invitae Variant Classification Sherloc (09022015). Collection method: clinical testing. Allele origin: germline.
Comment: This sequence change replaces leucine, which is neutral and non-polar, with glutamine, which is neutral and polar, at codon 9 of the SOD1 protein (p.Leu9Gln). This variant is not present in population databases (gnomAD no frequency). This missense change has been observed in individuals with clinical features of autosomal dominant amyotrophic lateral sclerosis (PMID: 9131652, 22292843, 34275688). This variant is also known as p.Leu8Gln. ClinVar contains an entry for this variant (Variation ID: 2138373). Invitae Evidence Modeling of protein sequence and biophysical properties (such as structural, functional, and spatial information, amino acid conservation, physicochemical variation, residue mobility, and thermodynamic stability) indicates that this missense variant is expected to disrupt SOD1 protein function with a positive predictive value of 95%. Experimental studies have shown that this missense change affects SOD1 function (PMID: 19091752, 23280792). In summary, the currently available evidence indicates that the variant is pathogenic, but additional data are needed to prove that conclusively. Therefore, this variant has been classified as Likely Pathogenic.

Literature cited by the submitters: PubMed 9131652; PubMed 22292843; PubMed 34275688; PubMed 19091752; PubMed 23280792.

NM_000454.5(SOD1):c.26T>A (p.Leu9Gln)

Genes: SOD1-DT (SOD1 divergent transcript; minus strand), SOD1 (superoxide dismutase 1; plus strand). Cytogenetic location: 21q22.11.
Variant type: single nucleotide variant.
Coding change: c.26T>A on transcript NM_000454.5 (MANE Select); coding-DNA position 26, T replaced by A.
Protein change: p.Leu9Gln; replaces leucine 9 with glutamine.
Molecular consequence: missense variant.
Genome position (GRCh38, 1-based): chr21:31,659,795, T>A. VCF-style: chr21-31659795-T-A. GRCh37 (hg19) VCF-style: chr21-33032108-T-A.
Other names: short protein forms L9Q.
Identifiers: ClinVar variation 2138373 (VCV002138373.4), dbSNP rs1568807342, ClinGen allele CA410035909.